The following is an entry in ClinVar:

ClinVar aggregate classification (germline): Uncertain significance (1 of 4 stars; one submission).

Conditions:
Hereditary cancer-predisposing syndrome. Also called: Neoplastic Syndromes, Hereditary; Tumor predisposition; Hereditary Cancer Syndrome; Hereditary neoplastic syndrome. Identifiers: Orphanet 140162, MedGen C0027672, MeSH D009386, MONDO:0015356.

Submission:

Ambry Genetics
Classification: Uncertain significance for Hereditary cancer-predisposing syndrome. Last evaluated: 2024-07-18. Review status: criteria provided, single submitter. Criteria: Ambry Variant Classification Scheme 2023. Collection method: clinical testing. Allele origin: germline.
Comment: The p.K1112N variant (also known as c.3336A>T), located in coding exon 27 of the POLE gene, results from an A to T substitution at nucleotide position 3336. The lysine at codon 1112 is replaced by asparagine, an amino acid with similar properties. This amino acid position is conserved. In addition, this alteration is predicted to be tolerated by in silico analysis. Based on the available evidence, the clinical significance of this variant remains unclear.

NM_006231.4(POLE):c.3336A>T (p.Lys1112Asn)

Gene: POLE (DNA polymerase epsilon, catalytic subunit; minus strand). Cytogenetic location: 12q24.33.
Variant type: single nucleotide variant.
Coding change: c.3336A>T on transcript NM_006231.4 (MANE Select); coding-DNA position 3336, A replaced by T.
Protein change: p.Lys1112Asn; replaces lysine 1112 with asparagine.
Molecular consequence: missense variant.
Genome position (GRCh38, 1-based): chr12:132,657,910, T>A on the plus strand (A>T on the coding strand, the complement: POLE is on the minus strand). VCF-style: chr12-132657910-T-A. GRCh37 (hg19) VCF-style: chr12-133234496-T-A.
Other names: short protein forms K1112N.
Identifiers: ClinVar variation 3422116 (VCV003422116.1).
Genomic context (GRCh38, chr12:132,657,910, plus strand): 5'-AACGCAACTGGCACTCACTGCTCGAATATCAAAGTCTTGAAGGGAAGAGCTCTTGAGCCA[T>A]TTCCGGAGAAAGTGCTTCCTCACCGTGGGCTCTGCTTGGAAAATGGCAAGTGGGATGGCC-3'
Protein context (NP_006222.2, residues 1102-1122): EPTVRKHFLR[Lys1112Asn]WLKSSSLQDF